The following is an entry in ClinVar:

NM_015164.4(PLEKHM2):c.448C>G (p.Arg150Gly)

Gene: PLEKHM2 (pleckstrin homology and RUN domain containing M2; plus strand). Cytogenetic location: 1p36.21.
Variant type: single nucleotide variant.
Coding change: c.448C>G on transcript NM_015164.4 (MANE Select); coding-DNA position 448, C replaced by G.
Protein change: p.Arg150Gly; replaces arginine 150 with glycine.
Molecular consequence: missense variant.
Genome position (GRCh38, 1-based): chr1:15,718,608, C>G. VCF-style: chr1-15718608-C-G. GRCh37 (hg19) VCF-style: chr1-16045103-C-G.
Other names: c.448C>G, p.Arg150Gly (NM_001410755.1); short protein forms R150G.
Identifiers: ClinVar variation 2908923 (VCV002908923.3), dbSNP rs766262284, ClinGen allele CA616688.

ClinVar aggregate classification (germline): Uncertain significance (1 of 4 stars; one submission).

Allele frequency attached by ClinVar (database versions not stated): TOPMed below 0.00001; gnomAD 0.00001.
gnomAD v4.1: 3 of 1,399,628 alleles (0.00021%); highest among the groups gnomAD compares: Non-Finnish European, 0.00029%; no homozygotes.

Submission:

Labcorp Genetics (formerly Invitae), Labcorp
Classification: Uncertain significance. Last evaluated: 2025-10-10. Review status: criteria provided, single submitter. Criteria: Invitae Variant Classification Sherloc (09022015). Collection method: clinical testing. Allele origin: germline.
Comment: This sequence change replaces arginine, which is basic and polar, with glycine, which is neutral and non-polar, at codon 150 of the PLEKHM2 protein (p.Arg150Gly). This variant is not present in population databases (gnomAD no frequency). This variant has not been reported in the literature in individuals affected with PLEKHM2-related conditions. ClinVar contains an entry for this variant (Variation ID: 2908923). An algorithm developed to predict the effect of missense changes on protein structure and function (PolyPhen-2) suggests that this variant is likely to be disruptive. In summary, the available evidence is currently insufficient to determine the role of this variant in disease. Therefore, it has been classified as a Variant of Uncertain Significance.